The following is an entry in ClinVar:

NM_001367624.2(ZNF469):c.23G>A (p.Gly8Glu)

Gene: ZNF469 (zinc finger protein 469; plus strand). Cytogenetic location: 16q24.2.
Variant type: single nucleotide variant.
Coding change: c.23G>A on transcript NM_001367624.2 (MANE Select); coding-DNA position 23, G replaced by A.
Protein change: p.Gly8Glu; replaces glycine 8 with glutamic acid.
Molecular consequence: missense variant.
Genome position (GRCh38, 1-based): chr16:88,427,493, G>A. VCF-style: chr16-88427493-G-A. GRCh37 (hg19) VCF-style: chr16-88493901-G-A.
Other names: NM_001127464.1:c.23G>A; short protein forms G8E.
Identifiers: ClinVar variation 3821132 (VCV003821132.1).

ClinVar aggregate classification (germline): Uncertain significance (1 of 4 stars; one submission).

Conditions:
Cardiovascular phenotype. Identifiers: MedGen CN230736.

Submission:

Ambry Genetics
Classification: Uncertain significance for Cardiovascular phenotype. Last evaluated: 2025-02-01. Review status: criteria provided, single submitter. Criteria: Ambry Variant Classification Scheme 2023. Collection method: clinical testing. Allele origin: germline.
Comment: The p.G8E variant (also known as c.23G>A), located in coding exon 1 of the ZNF469 gene, results from a G to A substitution at nucleotide position 23. The glycine at codon 8 is replaced by glutamic acid, an amino acid with similar properties. This amino acid position is conserved. In addition, this alteration is predicted to be tolerated by in silico analysis. Based on the available evidence, the clinical significance of this variant remains unclear.